The following is an entry in ClinVar:

NM_138927.4(SON):c.4892C>T (p.Ser1631Phe)

Gene: SON (SON DNA and RNA binding protein; plus strand). Cytogenetic location: 21q22.11.
Variant type: single nucleotide variant.
Coding change: c.4892C>T on transcript NM_138927.4 (MANE Select); coding-DNA position 4892, C replaced by T.
Protein change: p.Ser1631Phe; replaces serine 1631 with phenylalanine.
Molecular consequence: missense variant. On other transcripts: non-coding transcript variant (1), intron variant (1).
Genome position (GRCh38, 1-based): chr21:33,554,123, C>T. VCF-style: chr21-33554123-C-T. GRCh37 (hg19) VCF-style: chr21-34926429-C-T.
Other names: c.4892C>T, p.Ser1631Phe (NM_001291411.2, NM_001412133.1, NM_032195.3 and 2 more transcripts); c.245-3033C>T (NM_001291412.3); short protein forms S1631F.
Identifiers: ClinVar variation 2879510 (VCV002879510.3), dbSNP rs752830996, ClinGen allele CA10009618.

ClinVar aggregate classification (germline): Uncertain significance (1 of 4 stars; one submission).

Allele frequency attached by ClinVar (database versions not stated): gnomAD exomes below 0.00001; ExAC 0.00001; gnomAD 0.00001.
gnomAD v4.1: 3 of 1,613,616 alleles (0.00019%); highest among the groups gnomAD compares: East Asian, 0.0045%; no homozygotes.

Submission:

Labcorp Genetics (formerly Invitae), Labcorp
Classification: Uncertain significance. Last evaluated: 2024-01-29. Review status: criteria provided, single submitter. Criteria: Invitae Variant Classification Sherloc (09022015). Collection method: clinical testing. Allele origin: germline.
Comment: This sequence change replaces serine, which is neutral and polar, with phenylalanine, which is neutral and non-polar, at codon 1631 of the SON protein (p.Ser1631Phe). This variant is present in population databases (rs752830996, gnomAD 0.01%). This variant has not been reported in the literature in individuals affected with SON-related conditions. An algorithm developed to predict the effect of missense changes on protein structure and function (PolyPhen-2) suggests that this variant is likely to be disruptive. In summary, the available evidence is currently insufficient to determine the role of this variant in disease. Therefore, it has been classified as a Variant of Uncertain Significance.